The following is an entry in ClinVar:

NM_001127392.3(MYRF):c.1208A>T (p.Gln403Leu)

Gene: MYRF (myelin regulatory factor; plus strand). Cytogenetic location: 11q12.2.
Variant type: single nucleotide variant.
Coding change: c.1208A>T on transcript NM_001127392.3 (MANE Select); coding-DNA position 1208, A replaced by T.
Protein change: p.Gln403Leu; replaces glutamine 403 with leucine.
Molecular consequence: missense variant.
Genome position (GRCh38, 1-based): chr11:61,774,059, A>T. VCF-style: chr11-61774059-A-T. GRCh37 (hg19) VCF-style: chr11-61541531-A-T.
Other names: c.1181A>T, p.Gln394Leu (NM_013279.4); short protein forms Q394L, Q403L.
Identifiers: ClinVar variation 3030545 (VCV003030545.2), dbSNP rs1565295286, ClinGen allele CA380852033.

ClinVar aggregate classification (germline): Pathogenic (0 of 4 stars; one submission).

Conditions:
MYRF-related disorder. Also called: MYRF-related condition; MYRF-related disorders.

Submission:

PreventionGenetics, part of Exact Sciences
Classification: Pathogenic for MYRF-related condition. Last evaluated: 2023-12-06. Review status: no assertion criteria provided. Collection method: clinical testing. Allele origin: germline.
Comment: The MYRF c.1208A>T variant is predicted to result in the amino acid substitution p.Gln403Leu. To our knowledge, this variant has not been reported in the literature or in a large population database, indicating this variant is rare. A different variant affecting this amino acid has been reported in a patient with congenital heart defects (p.Gln403His, Jin et al. 2017. PubMed ID: 28991257; Edwards et al. 2020. PubMed ID: 32368696; Sevim Bayrak et al. 2020. PubMed ID: 31941532). In vitro functional characterization showed that both p.Gln403His and p.Gln403Leu destabilize the Myrf DBD structure (Fan et al. 2021. PubMed ID: 33798553). Another variant affecting the 403rd residue was identified in multiple individuals with mild encephalitis/encephalopathy with a reversible splenial lesion (p.Gln403Arg, Kurahashi et al. 2018. PubMed ID: 29265453). The p.Gln403Leu variant is interpreted as pathogenic.